The following is an entry in ClinVar:

ClinVar aggregate classification (germline): Likely benign. Review status: criteria provided, single submitter (1 of 4 stars). 2 submissions from 2 submitters: Likely benign (1). 1 of the submissions does not count toward it. Last evaluated 2025-11-08.

Conditions:
SEMA3E-related disorder. Also called: SEMA3E-related condition.
CHARGE syndrome (CHARGE). Also called: Hittner Hirsch Kreh syndrome; CHARGE ASSOCIATION--COLOBOMA, HEART ANOMALY, CHOANAL ATRESIA, RETARDATION, GENITAL AND EAR ANOMALIES; Coloboma, heart anomaly, choanal atresia, retardation, genital and ear anomalies; CHARGE association; Hall-Hittner syndrome. Identifiers: Orphanet 138, MedGen C0265354, MONDO:0008965.

Allele frequency attached by ClinVar (database versions not stated): ExAC 0.00002; gnomAD exomes 0.00002; gnomAD 0.00004; TOPMed 0.00004; ESP Exome Variant Server 0.00008.
gnomAD v4.1: 37 of 1,612,864 alleles (0.0023%); highest among the groups gnomAD compares: Non-Finnish European, 0.00051%; no homozygotes.

Submissions (2):

Labcorp Genetics (formerly Invitae), Labcorp
Classification: Likely benign for CHARGE syndrome. Last evaluated: 2025-11-08. Review status: criteria provided, single submitter. Criteria: Invitae Variant Classification Sherloc (09022015). Collection method: clinical testing. Allele origin: germline.

PreventionGenetics, part of Exact Sciences
Classification: Likely benign for SEMA3E-related condition. Last evaluated: 2024-03-25. Review status: no assertion criteria provided. Collection method: clinical testing. Allele origin: germline. Not counted in ClinVar's aggregate classification.
Comment: This variant is classified as likely benign based on ACMG/AMP sequence variant interpretation guidelines (Richards et al. 2015 PMID: 25741868, with internal and published modifications).

NM_012431.3(SEMA3E):c.186G>T (p.Leu62=)

Gene: SEMA3E (semaphorin 3E; minus strand). Cytogenetic location: 7q21.11.
Variant type: single nucleotide variant.
Coding change: c.186G>T on transcript NM_012431.3 (MANE Select); coding-DNA position 186, G replaced by T.
Protein change: p.Leu62=; no amino-acid change (leucine 62 retained).
Molecular consequence: synonymous variant.
Genome position (GRCh38, 1-based): chr7:83,490,204, C>A on the plus strand (G>T on the coding strand, the complement: SEMA3E is on the minus strand). VCF-style: chr7-83490204-C-A. GRCh37 (hg19) VCF-style: chr7-83119520-C-A.
Other names: c.6G>T, p.Leu2= (NM_001178129.2).
Identifiers: ClinVar variation 704521 (VCV000704521.11), dbSNP rs148264760, ClinGen allele CA4322433.